The following is an entry in ClinVar:

ClinVar aggregate classification (germline): Pathogenic/Likely pathogenic. Review status: criteria provided, multiple submitters, no conflicts (2 of 4 stars). 5 submissions from 5 submitters: Pathogenic (4); Likely pathogenic (1). Last evaluated 2026-01-15.

Conditions:
Wilson disease (WND). Also called: Wilson's disease. Identifiers: Orphanet 905, MedGen C0019202, MONDO:0010200, OMIM 277900. Disease mechanism: loss of function.

Allele frequency attached by ClinVar (database versions not stated): gnomAD exomes 0.00001.
gnomAD v4.1: 6 of 1,614,184 alleles (0.00037%); no homozygotes.

Submissions (5):

Myriad Genetics, Inc.
Classification: Likely pathogenic for Wilson disease. Last evaluated: 2026-01-15. Review status: criteria provided, single submitter. Criteria: Myriad Autosomal Dominant, Autosomal Recessive and X-Linked Classification Criteria (2023). Collection method: clinical testing. Allele origin: unknown.
Comment: NM_000053.3(ATP7B):c.2866-2A>C is a variant in a canonical splice site classified as likely pathogenic in the context of Wilson disease. c.2866-2A>C has been observed in cases with relevant disease (PMID: 36966606). Relevant functional assessments of this variant are not available in the literature. c.2866-2A>C has been observed in referenced population frequency databases. In summary, NM_000053.3(ATP7B):c.2866-2A>C is a variant in a canonical splice site in a gene where loss of function is a known mechanism of disease, is predicted to disrupt protein function, and has been observed more frequently in cases with the relevant disease than in healthy populations. Please note: this variant was assessed in the context of healthy population screening.

Natera, Inc.
Classification: Pathogenic for Wilson disease. Last evaluated: 2025-06-24. Review status: criteria provided, single submitter. Criteria: Natera Variant Classification Schema (03/2026). Collection method: clinical testing. Allele origin: germline.
Comment: The c.2866-2A>C variant in ATP7B is a canonical splice acceptor site variant predicted to affect pre-mRNA splicing, which may result in an abnormal transcript and altered protein product. This variant is expected to result in nonsense mediated decay, truncation, or a dysfunctional protein product. This variant is rare in the general population with a frequency below the threshold expected for the associated phenotype(s). This variant has been observed in one or more individuals affected with the associated recessive disease, as either homozygous or compound heterozygous with a second variant (PMID: 32618023). Another variant at this same site results in an alteration predicted to cause a similar molecular effect has been observed in individual(s) with the associated phenotype. Given the available evidence, this variant is classified as Pathogenic.

Institute of Genomics, University of Tartu
Classification: Pathogenic for Wilson disease. Last evaluated: 2023-04-04. Review status: criteria provided, single submitter. Criteria: ACMG Guidelines, 2015. Collection method: research. Allele origin: germline. Affected: yes. Observed: 1 variant allele, 1 compound heterozygote.
Comment: This ATP7B c.2866-2A>C (rs1377418826) variant was identified in the 2020-2023 Wilson's disease genotype-first recall study at the Estonian Biobank. This variant is expected to disrupt an acceptor splice site in intron 12. We classified this variant as pathogenic according to Richards et al. 2015 ACMG guidelines. PMID: 31059521)

Labcorp Genetics (formerly Invitae), Labcorp
Classification: Pathogenic for Wilson disease. Last evaluated: 2023-01-01. Review status: criteria provided, single submitter. Criteria: Invitae Variant Classification Sherloc (09022015). Collection method: clinical testing. Allele origin: germline.
Comment: This variant is present in population databases (no rsID available, gnomAD 0.01%). For these reasons, this variant has been classified as Pathogenic. Algorithms developed to predict the effect of sequence changes on RNA splicing suggest that this variant may disrupt the consensus splice site. ClinVar contains an entry for this variant (Variation ID: 1072277). Disruption of this splice site has been observed in individual(s) with Wilson disease (PMID: 23551039, 29914392). In at least one individual the data is consistent with being in trans (on the opposite chromosome) from a pathogenic variant. This sequence change affects an acceptor splice site in intron 12 of the ATP7B gene. It is expected to disrupt RNA splicing. Variants that disrupt the donor or acceptor splice site typically lead to a loss of protein function (PMID: 16199547), and loss-of-function variants in ATP7B are known to be pathogenic (PMID: 10441329, 16283883).

Genome-Nilou Lab
Classification: Pathogenic for Wilson disease. Last evaluated: 2021-08-10. Review status: criteria provided, single submitter. Criteria: ACMG Guidelines, 2015. Collection method: clinical testing. Allele origin: germline. Affected: no.

Literature cited by the submitters: PubMed 36966606 (cited by Myriad Genetics, Inc.); PubMed 32618023 (cited by Natera, Inc.); PubMed 31059521 (cited by Institute of Genomics, University of Tartu); PubMed 23551039 (cited by Labcorp Genetics (formerly Invitae), Labcorp); PubMed 29914392 (cited by Labcorp Genetics (formerly Invitae), Labcorp); PubMed 16199547 (cited by Labcorp Genetics (formerly Invitae), Labcorp); PubMed 10441329 (cited by Labcorp Genetics (formerly Invitae), Labcorp); PubMed 16283883 (cited by Labcorp Genetics (formerly Invitae), Labcorp).

NM_000053.4(ATP7B):c.2866-2A>C

Gene: ATP7B (ATPase copper transporting beta; minus strand). Cytogenetic location: 13q14.3.
Variant type: single nucleotide variant.
Coding change: c.2866-2A>C on transcript NM_000053.4 (MANE Select); the canonical splice acceptor site of the intron before coding-DNA position 2866, A replaced by C.
Molecular consequence: splice acceptor variant. On other transcripts: intron variant (6).
Genome position (GRCh38, 1-based): chr13:51,946,480, T>G on the plus strand (A>C on the coding strand, the complement: ATP7B is on the minus strand). VCF-style: chr13-51946480-T-G. GRCh37 (hg19) VCF-style: chr13-52520616-T-G.
Other names: c.2380-2A>C (NM_001406541.1, NM_001406542.1); c.2614-2A>C (NM_001406531.1, NM_001406532.1, NM_001330579.2); c.2632-2A>C (NM_001406527.1, NM_001406528.1, NM_001406538.1 and 1 more transcripts); c.2722-2189A>C (NM_001406537.1); c.2722-2A>C (NM_001406521.1, NM_001406522.1, NM_001406520.1); c.2866-2A>C (NM_001406513.1, NM_001406511.1, NM_001406512.1 and 3 more transcripts); c.2518-2A>C (NM_001406543.1); c.2812-2A>C (NM_001406516.1, NM_001406515.1); and 18 more.
Identifiers: ClinVar variation 1072277 (VCV001072277.15), dbSNP rs1377418826, ClinGen allele CA388032612.